The following is an entry in ClinVar:

ClinVar aggregate classification (germline): Uncertain significance (1 of 4 stars; one submission).

Submission:

GeneDx
Classification: Uncertain significance. Last evaluated: 2024-03-24. Review status: criteria provided, single submitter. Criteria: GeneDx Variant Classification Process June 2021. Collection method: clinical testing. Allele origin: germline. Affected: yes.
Comment: Not observed at significant frequency in large population cohorts (gnomAD); In silico analysis supports that this missense variant has a deleterious effect on protein structure/function; Has not been previously published as pathogenic or benign to our knowledge; Not located in the triple helical region, where the majority of pathogenic missense variants occur (HGMD)

NM_000088.4(COL1A1):c.440C>T (p.Pro147Leu)

Gene: COL1A1 (collagen type I alpha 1 chain; minus strand). Cytogenetic location: 17q21.33.
Variant type: single nucleotide variant.
Coding change: c.440C>T on transcript NM_000088.4 (MANE Select); coding-DNA position 440, C replaced by T.
Protein change: p.Pro147Leu; replaces proline 147 with leucine.
Molecular consequence: missense variant.
Genome position (GRCh38, 1-based): chr17:50,199,257, G>A on the plus strand (C>T on the coding strand, the complement: COL1A1 is on the minus strand). VCF-style: chr17-50199257-G-A. GRCh37 (hg19) VCF-style: chr17-48276618-G-A.
Other names: short protein forms P147L.
Identifiers: ClinVar variation 3371404 (VCV003371404.1).